The following is an entry in ClinVar:

NM_003105.6(SORL1):c.1228C>A (p.Pro410Thr)

Gene: SORL1 (sortilin related receptor 1; plus strand). Cytogenetic location: 11q24.1.
Variant type: single nucleotide variant.
Coding change: c.1228C>A on transcript NM_003105.6 (MANE Select); coding-DNA position 1228, C replaced by A.
Protein change: p.Pro410Thr; replaces proline 410 with threonine.
Molecular consequence: missense variant.
Genome position (GRCh38, 1-based): chr11:121,520,673, C>A. VCF-style: chr11-121520673-C-A. GRCh37 (hg19) VCF-style: chr11-121391382-C-A.
Other names: short protein forms P410T.
Identifiers: ClinVar variation 4701775 (VCV004701775.1).

ClinVar aggregate classification (germline): Uncertain significance (1 of 4 stars; one submission).

gnomAD v4.1: 6 of 1,568,340 alleles (0.00038%); highest among the groups gnomAD compares: Non-Finnish European, 0.00052%; no homozygotes.

Submission:

Labcorp Genetics (formerly Invitae), Labcorp
Classification: Uncertain significance. Last evaluated: 2025-03-22. Review status: criteria provided, single submitter. Criteria: Invitae Variant Classification Sherloc (09022015). Collection method: clinical testing. Allele origin: germline.
Comment: This sequence change replaces proline, which is neutral and non-polar, with threonine, which is neutral and polar, at codon 410 of the SORL1 protein (p.Pro410Thr). This variant is not present in population databases (gnomAD no frequency). This variant has not been reported in the literature in individuals affected with SORL1-related conditions. An algorithm developed to predict the effect of missense changes on protein structure and function (PolyPhen-2) suggests that this variant is likely to be tolerated. In summary, the available evidence is currently insufficient to determine the role of this variant in disease. Therefore, it has been classified as a Variant of Uncertain Significance.